The following is an entry in ClinVar:

NM_033109.5(PNPT1):c.1913C>T (p.Thr638Ile)

Gene: PNPT1 (polyribonucleotide nucleotidyltransferase 1; minus strand). Cytogenetic location: 2p16.1.
Variant type: single nucleotide variant.
Coding change: c.1913C>T on transcript NM_033109.5 (MANE Select); coding-DNA position 1913, C replaced by T.
Protein change: p.Thr638Ile; replaces threonine 638 with isoleucine.
Molecular consequence: missense variant.
Genome position (GRCh38, 1-based): chr2:55,643,419, G>A on the plus strand (C>T on the coding strand, the complement: PNPT1 is on the minus strand). VCF-style: chr2-55643419-G-A. GRCh37 (hg19) VCF-style: chr2-55870554-G-A.
Other names: c.1913C>T (NM_033109.3); short protein forms T638I.
Identifiers: ClinVar variation 1315706 (VCV001315706.4), dbSNP rs375324746, ClinGen allele CA1667873.

ClinVar aggregate classification (germline): Uncertain significance. Review status: criteria provided, multiple submitters, no conflicts (2 of 4 stars). 2 submissions from 2 submitters: Uncertain significance (2). Last evaluated 2024-12-03.

Conditions:
Inborn genetic diseases. Identifiers: MedGen C0950123, MeSH D030342.

gnomAD v4.1: 8 of 1,613,598 alleles (0.0005%); highest among the groups gnomAD compares: Non-Finnish European, 0.00068%; no homozygotes.

Submissions (2):

GeneDx
Classification: Uncertain significance. Last evaluated: 2024-12-03. Review status: criteria provided, single submitter. Criteria: GeneDx Variant Classification Process June 2021. Collection method: clinical testing. Allele origin: germline. Affected: yes.
Comment: Not observed at significant frequency in large population cohorts (gnomAD); In silico analysis supports that this missense variant has a deleterious effect on protein structure/function; Has not been previously published as pathogenic or benign to our knowledge

Ambry Genetics
Classification: Uncertain significance for Inborn genetic diseases. Last evaluated: 2023-10-17. Review status: criteria provided, single submitter. Criteria: Ambry Variant Classification Scheme 2023. Collection method: clinical testing. Allele origin: germline.